The following is an entry in ClinVar:

NM_021254.4(CFAP298):c.535-13del

Genes: CFAP298 (cilia and flagella associated protein 298; minus strand), CFAP298-TCP10L (CFAP298-TCP10L readthrough; minus strand). Cytogenetic location: 21q22.11.
Variant type: Deletion.
Coding change: c.535-13del on transcript NM_021254.4 (MANE Select); 13 bases into the intron before coding-DNA position 535, one base deleted (C; older notation c.535-13delC).
Molecular consequence: intron variant.
Genome position (GRCh38, 1-based): chr21:32,603,305, G deleted on the plus strand (C on the coding strand, the reverse complement: CFAP298 is on the minus strand). VCF-style (leftmost placement, unchanged base first): chr21-32603304-CG-C. GRCh37 (hg19) VCF-style: chr21-33975614-CG-C.
Other names: c.535-13del (NM_001350338.2, NM_001350336.2, NM_001350337.2 and 1 more transcripts); c.238-13del (NM_001350334.2).
Identifiers: ClinVar variation 2423620 (VCV002423620.6), dbSNP rs1568991958, ClinGen allele CA638052184.

ClinVar aggregate classification (germline): Uncertain significance (1 of 4 stars; one submission).

Allele frequency attached by ClinVar (database versions not stated): gnomAD exomes below 0.00001; TOPMed 0.00001.

Submission:

Labcorp Genetics (formerly Invitae), Labcorp
Classification: Uncertain significance. Last evaluated: 2022-02-22. Review status: criteria provided, single submitter. Criteria: Invitae Variant Classification Sherloc (09022015). Collection method: clinical testing. Allele origin: germline.
Comment: In summary, the available evidence is currently insufficient to determine the role of this variant in disease. Therefore, it has been classified as a Variant of Uncertain Significance. Algorithms developed to predict the effect of sequence changes on RNA splicing suggest that this variant may disrupt the consensus splice site. This variant has not been reported in the literature in individuals affected with CFAP298-related conditions. This variant is present in population databases (no rsID available, gnomAD 0.006%). This sequence change falls in intron 4 of the CFAP298 gene. It does not directly change the encoded amino acid sequence of the CFAP298 protein.